The following is an entry in ClinVar:

NM_175732.3(PTPMT1):c.605G>C (p.Ter202Ser)

Gene: PTPMT1 (protein tyrosine phosphatase mitochondrial 1; plus strand). Cytogenetic location: 11p11.2.
Variant type: single nucleotide variant.
Coding change: c.605G>C on transcript NM_175732.3 (MANE Select); coding-DNA position 605, G replaced by C.
Protein change: p.Ter202Ser.
Molecular consequence: stop lost. On other transcripts: 3 prime UTR variant (1).
Genome position (GRCh38, 1-based): chr11:47,571,628, G>C. VCF-style: chr11-47571628-G-C. GRCh37 (hg19) VCF-style: chr11-47593180-G-C.
Other names: *202S; c.*66G>C (NM_001143984.2).
Identifiers: ClinVar variation 720436 (VCV000720436.5), dbSNP rs190036505, ClinGen allele CA5977389.

ClinVar aggregate classification (germline): Benign/Likely benign. Review status: criteria provided, multiple submitters, no conflicts (2 of 4 stars). 3 submissions from 3 submitters: Benign (2); Likely benign (1). Last evaluated 2026-09-01.

Allele frequency attached by ClinVar (database versions not stated): gnomAD 0.00332 and 0.00279; TOPMed 0.00347; gnomAD exomes 0.00445 and 0.00507; 1000 Genomes Project 30x 0.00453; 1000 Genomes Project 0.00479; ExAC 0.00483; ESP Exome Variant Server 0.00326.
gnomAD v4.1: 7,080 of 1,613,928 alleles (0.44%); highest among the groups gnomAD compares: South Asian, 2.1%; 45 homozygotes.

Submissions (3):

CeGaT Center for Human Genetics Tuebingen
Classification: Likely benign. Last evaluated: 2026-09-01. Review status: criteria provided, single submitter. Criteria: CeGaT Center For Human Genetics Tuebingen Variant Classification Criteria Version 2. Collection method: clinical testing. Allele origin: germline. Affected: yes. Observed: 1 variant allele.
Comment: PTPMT1: PM4, BS1, BS2

Labcorp Genetics (formerly Invitae), Labcorp
Classification: Benign. Last evaluated: 2018-08-22. Review status: criteria provided, single submitter. Criteria: Invitae Variant Classification Sherloc (09022015). Collection method: clinical testing. Allele origin: germline.

Breakthrough Genomics
Classification: Benign. Review status: criteria provided, single submitter. Criteria: ACMG Guidelines, 2015. Collection method: not provided. Allele origin: germline. Inheritance: Unknown mechanism. Affected: yes.